The following is an entry in ClinVar:

ClinVar aggregate classification (germline): Uncertain significance (1 of 4 stars; one submission).

gnomAD v4.1: 5 of 1,613,906 alleles (0.00031%); highest among the groups gnomAD compares: Admixed American, 0.0067%; no homozygotes.

Submission:

CeGaT Center for Human Genetics Tuebingen
Classification: Uncertain significance. Last evaluated: 2026-09-01. Review status: criteria provided, single submitter. Criteria: CeGaT Center For Human Genetics Tuebingen Variant Classification Criteria Version 2. Collection method: clinical testing. Allele origin: germline. Affected: yes. Observed: 1 variant allele.
Comment: EMG1: PP3

NM_006331.8(EMG1):c.296C>T (p.Pro99Leu)

Gene: EMG1 (EMG1 N1-specific pseudouridine methyltransferase; plus strand). Cytogenetic location: 12p13.31.
Variant type: single nucleotide variant.
Coding change: c.296C>T on transcript NM_006331.8 (MANE Select); coding-DNA position 296, C replaced by T.
Protein change: p.Pro99Leu; replaces proline 99 with leucine.
Molecular consequence: missense variant. On other transcripts: non-coding transcript variant (1).
Genome position (GRCh38, 1-based): chr12:6,974,577, C>T. VCF-style: chr12-6974577-C-T. GRCh37 (hg19) VCF-style: chr12-7083739-C-T.
Other names: c.296C>T, p.Pro99Leu (NM_001320049.2); short protein forms P99L.
Identifiers: ClinVar variation 5041794 (VCV005041794.1).